The following is an entry in ClinVar:

ClinVar aggregate classification (germline): Uncertain significance (1 of 4 stars; one submission).

Submission:

Ambry Genetics
Classification: Uncertain significance. Last evaluated: 2024-10-29. Review status: criteria provided, single submitter. Criteria: Ambry Variant Classification Scheme 2023. Collection method: clinical testing. Allele origin: germline.
Comment: The p.L581P variant (also known as c.1742T>C), located in coding exon 12 of the RINT1 gene, results from a T to C substitution at nucleotide position 1742. The leucine at codon 581 is replaced by proline, an amino acid with similar properties. This amino acid position is conserved. In addition, the in silico prediction for this alteration is inconclusive. Based on the available evidence, the clinical significance of this variant remains unclear.

NM_021930.6(RINT1):c.1742T>C (p.Leu581Pro)

Gene: RINT1 (RAD50 interactor 1; plus strand). Cytogenetic location: 7q22.3.
Variant type: single nucleotide variant.
Coding change: c.1742T>C on transcript NM_021930.6 (MANE Select); coding-DNA position 1742, T replaced by C.
Protein change: p.Leu581Pro; replaces leucine 581 with proline.
Molecular consequence: missense variant. On other transcripts: non-coding transcript variant (1).
Genome position (GRCh38, 1-based): chr7:105,563,803, T>C. VCF-style: chr7-105563803-T-C. GRCh37 (hg19) VCF-style: chr7-105204250-T-C.
Other names: c.1508T>C, p.Leu503Pro (NM_001346599.2); c.719T>C, p.Leu240Pro (NM_001346600.2, NM_001346603.2); c.818T>C, p.Leu273Pro (NM_001346601.2); short protein forms L240P, L273P, L503P, L581P.
Identifiers: ClinVar variation 3433644 (VCV003433644.1).